The following is an entry in ClinVar:

NM_172107.4(KCNQ2):c.1783C>T (p.Arg595Trp)

Gene: KCNQ2 (potassium voltage-gated channel subfamily Q member 2; minus strand). Cytogenetic location: 20q13.33.
Variant type: single nucleotide variant.
Coding change: c.1783C>T on transcript NM_172107.4 (MANE Select); coding-DNA position 1783, C replaced by T.
Protein change: p.Arg595Trp; replaces arginine 595 with tryptophan.
Molecular consequence: missense variant.
Genome position (GRCh38, 1-based): chr20:63,408,517, G>A on the plus strand (C>T on the coding strand, the complement: KCNQ2 is on the minus strand). VCF-style: chr20-63408517-G-A. GRCh37 (hg19) VCF-style: chr20-62039870-G-A.
Other names: c.1699C>T, p.Arg567Trp (NM_004518.6); c.1729C>T, p.Arg577Trp (NM_172106.3); c.1690C>T, p.Arg564Trp (NM_172108.5); short protein forms R595W, R567W, R577W, R564W.
Identifiers: ClinVar variation 369811 (VCV000369811.13), dbSNP rs1555851550, ClinGen allele CA10654779.

ClinVar aggregate classification (germline): Uncertain significance. Review status: criteria provided, multiple submitters, no conflicts (2 of 4 stars). 4 submissions from 4 submitters: Uncertain significance (3). 1 of the submissions does not count toward it. Last evaluated 2024-07-27.

Conditions:
Early-infantile DEE. Also called: Early infantile epileptic encephalopathy; Ohtahara syndrome; Early infantile epileptic encephalopathy with suppression bursts. Identifiers: Orphanet 1934, MedGen C0393706, MONDO:0800491.
Seizures, benign familial neonatal, 1. Also called: KCNQ2-Related Benign Familial Neonatal Epilepsy; Benign Neonatal Epilepsy 1; KCNQ2-Related Self-Limited Familial Neonatal Epilepsy (SLFNE); Seizures, benign neonatal, 1. Identifiers: Orphanet 1949, MedGen C3149074, MONDO:0007365, OMIM 121200.

Submissions (4):

GeneDx
Classification: Uncertain significance. Last evaluated: 2024-07-27. Review status: criteria provided, single submitter. Criteria: GeneDx Variant Classification Process June 2021. Collection method: clinical testing. Allele origin: germline. Affected: yes.
Comment: Reported as a paternally inherited variant in two siblings with infantile onset benign epilepsy (PMID: 25046240); This substitution is predicted to be within the C-terminal cytoplasmic domain.; Not observed at significant frequency in large population cohorts (gnomAD); In silico analysis supports that this missense variant has a deleterious effect on protein structure/function; This variant is associated with the following publications: (PMID: 31589614, 25046240)

Labcorp Genetics (formerly Invitae), Labcorp
Classification: Uncertain significance for Early-infantile DEE. Last evaluated: 2024-05-13. Review status: criteria provided, single submitter. Criteria: Invitae Variant Classification Sherloc (09022015). Collection method: clinical testing. Allele origin: germline.
Comment: This sequence change replaces arginine, which is basic and polar, with tryptophan, which is neutral and slightly polar, at codon 595 of the KCNQ2 protein (p.Arg595Trp). This variant is not present in population databases (gnomAD no frequency). This missense change has been observed in individual(s) with clinical features of benign familial neonatal-infantile seizures (PMID: 25046240). ClinVar contains an entry for this variant (Variation ID: 369811). An algorithm developed to predict the effect of missense changes on protein structure and function (PolyPhen-2) suggests that this variant is likely to be disruptive. In summary, the available evidence is currently insufficient to determine the role of this variant in disease. Therefore, it has been classified as a Variant of Uncertain Significance.

Mayo Clinic Laboratories, Mayo Clinic
Classification: Uncertain significance. Last evaluated: 2019-06-24. Review status: criteria provided, single submitter. Criteria: ACMG Guidelines, 2015. Collection method: clinical testing. Allele origin: germline. Observed: 1 variant allele.

GeneReviews
No classification provided. Condition: Seizures, benign familial neonatal, 1. Review status: no classification provided. Collection method: literature only. Allele origin: germline. Affected: yes. Not counted in ClinVar's aggregate classification.
Comment: BFIS (benign familial infantile seizures)

Literature cited by the submitters: PubMed 25046240 (cited by Labcorp Genetics (formerly Invitae), Labcorp and GeneReviews); NCBI Bookshelf NBK32534 (cited by GeneReviews).